The following is an entry in ClinVar:

ClinVar aggregate classification (germline): Uncertain significance. Review status: criteria provided, multiple submitters, no conflicts (2 of 4 stars). 3 submissions from 3 submitters: Uncertain significance (3). Last evaluated 2024-03-21.

Conditions:
Familial hypocalciuric hypercalcemia 2. Also called: FAMILIAL BENIGN HYPERCALCEMIA, TYPE II; Hypocalciuric hypercalcemia, familial, type II; Hypocalciuric hypercalcemia, type II. Identifiers: Orphanet 101049, Orphanet 405, MedGen C1840347, MONDO:0007792, OMIM 145981.
Autosomal dominant hypocalcemia 2. Identifiers: Orphanet 2238, Orphanet 428, MedGen C3809243, MONDO:0014146, OMIM 615361.

Allele frequency attached by ClinVar (database versions not stated): ExAC 0.00001; gnomAD exomes 0.00001.
gnomAD v4.1: 9 of 1,613,562 alleles (0.00056%); highest among the groups gnomAD compares: East Asian, 0.0045%; no homozygotes.

Submissions (3):

Fulgent Genetics
Classification: Uncertain significance for Familial hypocalciuric hypercalcemia 2; Autosomal dominant hypocalcemia 2. Last evaluated: 2024-03-21. Review status: criteria provided, single submitter. Criteria: ACMG Guidelines, 2015. Collection method: clinical testing. Allele origin: germline.

Blueprint Genetics
Classification: Uncertain significance. Last evaluated: 2024-03-15. Review status: criteria provided, single submitter. Criteria: ACMG Guidelines, 2015. Collection method: clinical testing. Allele origin: germline.

Labcorp Genetics (formerly Invitae), Labcorp
Classification: Uncertain significance. Last evaluated: 2023-04-09. Review status: criteria provided, single submitter. Criteria: Invitae Variant Classification Sherloc (09022015). Collection method: clinical testing. Allele origin: germline.
Comment: This sequence change replaces glutamic acid, which is acidic and polar, with lysine, which is basic and polar, at codon 294 of the GNA11 protein (p.Glu294Lys). This variant is not present in population databases (gnomAD no frequency). This variant has not been reported in the literature in individuals affected with GNA11-related conditions. Advanced modeling of protein sequence and biophysical properties (such as structural, functional, and spatial information, amino acid conservation, physicochemical variation, residue mobility, and thermodynamic stability) performed at Invitae indicates that this missense variant is not expected to disrupt GNA11 protein function. Algorithms developed to predict the effect of sequence changes on RNA splicing suggest that this variant may create or strengthen a splice site. In summary, the available evidence is currently insufficient to determine the role of this variant in disease. Therefore, it has been classified as a Variant of Uncertain Significance.

NM_002067.5(GNA11):c.880G>A (p.Glu294Lys)

Gene: GNA11 (G protein subunit alpha 11; plus strand). Cytogenetic location: 19p13.3.
Variant type: single nucleotide variant.
Coding change: c.880G>A on transcript NM_002067.5 (MANE Select); coding-DNA position 880, G replaced by A.
Protein change: p.Glu294Lys; replaces glutamic acid 294 with lysine.
Molecular consequence: missense variant.
Genome position (GRCh38, 1-based): chr19:3,119,350, G>A. VCF-style: chr19-3119350-G-A. GRCh37 (hg19) VCF-style: chr19-3119348-G-A.
Other names: short protein forms E294K.
Identifiers: ClinVar variation 2891272 (VCV002891272.5), dbSNP rs745554999, ClinGen allele CA9075028.